The following is an entry in ClinVar:

ClinVar aggregate classification (germline): Likely pathogenic (1 of 4 stars; one submission).

Conditions:
TCTN3-related disorder. Also called: TCTN3-related condition.

Submission:

PreventionGenetics, part of Exact Sciences
Classification: Likely pathogenic for TCTN3-related condition. Last evaluated: 2026-06-24. Review status: criteria provided, single submitter. Criteria: ACMG Guidelines, 2015. Collection method: clinical testing. Allele origin: germline.
Comment: The TCTN3 c.1106delA variant is predicted to result in a frameshift and premature protein termination (p.Gln369Argfs*18). To our knowledge, this variant has not been reported in the literature. This variant is reported in 0.011% of alleles in individuals of African descent in gnomAD. Frameshift variants in TCTN3 are expected to be pathogenic. This variant is interpreted as likely pathogenic.

NM_015631.6(TCTN3):c.1106del (p.Gln369fs)

Gene: TCTN3 (tectonic family member 3; minus strand). Cytogenetic location: 10q24.1.
Variant type: Deletion.
Coding change: c.1106del on transcript NM_015631.6 (MANE Select); coding-DNA position 1106, one base deleted (A; older notation c.1106delA).
Protein change: p.Gln369fs; shifts the reading frame from glutamine 369.
Molecular consequence: frameshift variant.
Genome position (GRCh38, 1-based): chr10:95,683,619, T deleted on the plus strand (A on the coding strand, the reverse complement: TCTN3 is on the minus strand). VCF-style (leftmost placement, unchanged base first): chr10-95683618-CT-C. GRCh37 (hg19) VCF-style: chr10-97443375-CT-C.
Other names: c.662del, p.Gln221fs (NM_001143973.2); c.1025del, p.Gln342fs (NM_001410982.1); short protein forms Q342fs, Q221fs, Q369fs.
Identifiers: ClinVar variation 4994550 (VCV004994550.1).